The following is an entry in ClinVar:

ClinVar aggregate classification (germline): Uncertain significance (1 of 4 stars; one submission).

Conditions:
Hereditary cancer-predisposing syndrome. Also called: Hereditary Cancer Syndrome; Hereditary neoplastic syndrome; Tumor predisposition; Neoplastic Syndromes, Hereditary. Identifiers: Orphanet 140162, MedGen C0027672, MeSH D009386, MONDO:0015356.

Submission:

Ambry Genetics
Classification: Uncertain significance for Hereditary cancer-predisposing syndrome. Last evaluated: 2020-03-18. Review status: criteria provided, single submitter. Criteria: Ambry Variant Classification Scheme 2023. Collection method: clinical testing. Allele origin: germline.
Comment: The p.D763E variant (also known as c.2289T>A), located in coding exon 4 of the MSH6 gene, results from a T to A substitution at nucleotide position 2289. The aspartic acid at codon 763 is replaced by glutamic acid, an amino acid with highly similar properties. This amino acid position is highly conserved in available vertebrate species. In addition, this alteration is predicted to be deleterious by in silico analysis. Since supporting evidence is limited at this time, the clinical significance of this alteration remains unclear.

NM_000179.3(MSH6):c.2289T>A (p.Asp763Glu)

Gene: MSH6 (mutS homolog 6; plus strand). Cytogenetic location: 2p16.3.
Variant type: single nucleotide variant.
Coding change: c.2289T>A on transcript NM_000179.3 (MANE Select); coding-DNA position 2289, T replaced by A.
Protein change: p.Asp763Glu; replaces aspartic acid 763 with glutamic acid.
Molecular consequence: missense variant.
Genome position (GRCh38, 1-based): chr2:47,800,272, T>A. VCF-style: chr2-47800272-T-A. GRCh37 (hg19) VCF-style: chr2-48027411-T-A.
Other names: c.1899T>A, p.Asp633Glu (NM_001281492.2); c.1383T>A, p.Asp461Glu (NM_001281493.2, NM_001281494.2, NM_001406811.1 and 6 more transcripts); c.2385T>A, p.Asp795Glu (NM_001406795.1, NM_001406802.1); c.2289T>A, p.Asp763Glu (NM_001406796.1, NM_001406798.1, NM_001406800.1 and 3 more transcripts); c.1992T>A, p.Asp664Glu (NM_001406797.1, NM_001406801.1, NM_001406805.1 and 10 more transcripts); c.1764T>A, p.Asp588Glu (NM_001406799.1, NM_001406806.1, NM_001406807.1); c.2211T>A, p.Asp737Glu (NM_001406804.1); c.2295T>A, p.Asp765Glu (NM_001406813.1); and 1 more; short protein forms D461E, D765E, D737E, D763E, D588E, D633E, D664E, D795E.
Identifiers: ClinVar variation 1789060 (VCV001789060.2), dbSNP rs137946937, ClinGen allele CA346752948.